The following is an entry in ClinVar:

NM_001048174.2(MUTYH):c.458C>G (p.Ser153Cys)

Gene: MUTYH (mutY DNA glycosylase; minus strand). Cytogenetic location: 1p34.1.
Variant type: single nucleotide variant.
Coding change: c.458C>G on transcript NM_001048174.2 (MANE Select); coding-DNA position 458, C replaced by G.
Protein change: p.Ser153Cys; replaces serine 153 with cysteine.
Molecular consequence: missense variant. On other transcripts: non-coding transcript variant (7).
Genome position (GRCh38, 1-based): chr1:45,332,797, G>C on the plus strand (C>G on the coding strand, the complement: MUTYH is on the minus strand). VCF-style: chr1-45332797-G-C. GRCh37 (hg19) VCF-style: chr1-45798469-G-C.
Other names: c.458C>G, p.Ser153Cys (NM_001048171.2, NM_001048173.2, NM_001293195.2 and 6 more transcripts); c.461C>G, p.Ser154Cys (NM_001048172.2, NM_001407086.1, NM_001407071.1 and 1 more transcripts); c.503C>G, p.Ser168Cys (NM_001293190.2); c.491C>G, p.Ser164Cys (NM_001293191.2, NM_001407069.1, NM_001407077.1); c.182C>G, p.Ser61Cys (NM_001293192.2, NM_001293196.2, NM_001407091.1); c.113C>G, p.Ser38Cys (NM_001350650.2, NM_001350651.2, NM_001407082.1); c.500C>G, p.Ser167Cys (NM_001407083.1, NM_001407085.1); c.479C>G, p.Ser160Cys (NM_001407087.1); and 5 more; short protein forms S153C, S154C, S164C, S178C, S61C, S168C, S181C, S139C.
Identifiers: ClinVar variation 4113721 (VCV004113721.1).

ClinVar aggregate classification (germline): Uncertain significance (1 of 4 stars; one submission).

Conditions:
Hereditary cancer-predisposing syndrome. Also called: Hereditary neoplastic syndrome; Neoplastic Syndromes, Hereditary; Tumor predisposition; Hereditary Cancer Syndrome. Identifiers: Orphanet 140162, MedGen C0027672, MeSH D009386, MONDO:0015356.

Submission:

Ambry Genetics
Classification: Uncertain significance for Hereditary cancer-predisposing syndrome. Last evaluated: 2025-08-27. Review status: criteria provided, single submitter. Criteria: Ambry Variant Classification Scheme 2023. Collection method: clinical testing. Allele origin: germline.
Comment: The p.S181C variant (also known as c.542C>G), located in coding exon 7 of the MUTYH gene, results from a C to G substitution at nucleotide position 542. The serine at codon 181 is replaced by cysteine, an amino acid with dissimilar properties. This amino acid position is conserved. In addition, this alteration is predicted to be tolerated by in silico analysis. Based on the available evidence, the clinical significance of this variant remains unclear.